The following is an entry in ClinVar:

NM_001144952.2(SDK2):c.3567G>A (p.Thr1189=)

Gene: SDK2 (sidekick cell adhesion molecule 2; minus strand). Cytogenetic location: 17q25.1.
Variant type: single nucleotide variant.
Coding change: c.3567G>A on transcript NM_001144952.2 (MANE Select); coding-DNA position 3567, G replaced by A.
Protein change: p.Thr1189=; no amino-acid change (threonine 1189 retained).
Molecular consequence: synonymous variant.
Genome position (GRCh38, 1-based): chr17:73,395,180, C>T on the plus strand (G>A on the coding strand, the complement: SDK2 is on the minus strand). VCF-style: chr17-73395180-C-T. GRCh37 (hg19) VCF-style: chr17-71391319-C-T.
Identifiers: ClinVar variation 3049960 (VCV003049960.2), dbSNP rs375688906, ClinGen allele CA8743109.

ClinVar aggregate classification (germline): Likely benign (0 of 4 stars; one submission).

Conditions:
SDK2-related disorder. Also called: SDK2-related condition.

Allele frequency attached by ClinVar (database versions not stated): ESP Exome Variant Server 0.00008; ExAC 0.00011; 1000 Genomes Project 30x 0.00016; TOPMed 0.00017; 1000 Genomes Project 0.00020.
gnomAD v4.1: 84 of 1,603,482 alleles (0.0052%); highest among the groups gnomAD compares: South Asian, 0.051%; no homozygotes.

Submission:

PreventionGenetics, part of Exact Sciences
Classification: Likely benign for SDK2-related condition. Last evaluated: 2019-02-20. Review status: no assertion criteria provided. Collection method: clinical testing. Allele origin: germline.
Comment: This variant is classified as likely benign based on ACMG/AMP sequence variant interpretation guidelines (Richards et al. 2015 PMID: 25741868, with internal and published modifications).